The following is an entry in ClinVar:

NM_145038.5(DRC1):c.313G>A (p.Glu105Lys)

Gene: DRC1 (dynein regulatory complex subunit 1; plus strand). Cytogenetic location: 2p23.3.
Variant type: single nucleotide variant.
Coding change: c.313G>A on transcript NM_145038.5 (MANE Select); coding-DNA position 313, G replaced by A.
Protein change: p.Glu105Lys; replaces glutamic acid 105 with lysine.
Molecular consequence: missense variant.
Genome position (GRCh38, 1-based): chr2:26,421,357, G>A. VCF-style: chr2-26421357-G-A. GRCh37 (hg19) VCF-style: chr2-26644225-G-A.
Other names: short protein forms E105K.
Identifiers: ClinVar variation 407101 (VCV000407101.8), dbSNP rs759868480, ClinGen allele CA1561826.

ClinVar aggregate classification (germline): Uncertain significance. Review status: criteria provided, multiple submitters, no conflicts (2 of 4 stars). 2 submissions from 2 submitters: Uncertain significance (2). Last evaluated 2025-01-21.

Conditions:
Primary ciliary dyskinesia. Also called: Ciliary dyskinesia. Identifiers: Orphanet 244, MedGen C0008780, MONDO:0016575, HP:0012265.

Allele frequency attached by ClinVar (database versions not stated): gnomAD 0.00002; gnomAD exomes 0.00005 and 0.00024; ExAC 0.00021.
gnomAD v4.1: 73 of 1,613,538 alleles (0.0045%); highest among the groups gnomAD compares: Admixed American, 0.12%; no homozygotes.

Submissions (2):

Greenwood Genetic Center Diagnostic Laboratories, Greenwood Genetic Center
Classification: Uncertain significance. Last evaluated: 2025-01-21. Review status: criteria provided, single submitter. Criteria: ACMG Guidelines, 2015. Collection method: clinical testing. Allele origin: germline.
Comment: No Applicable ACMG Criteria

Labcorp Genetics (formerly Invitae), Labcorp
Classification: Uncertain significance for Primary ciliary dyskinesia. Last evaluated: 2022-07-05. Review status: criteria provided, single submitter. Criteria: Invitae Variant Classification Sherloc (09022015). Collection method: clinical testing. Allele origin: germline.
Comment: This sequence change replaces glutamic acid, which is acidic and polar, with lysine, which is basic and polar, at codon 105 of the DRC1 protein (p.Glu105Lys). This variant is present in population databases (rs759868480, gnomAD 0.2%). This variant has not been reported in the literature in individuals affected with DRC1-related conditions. ClinVar contains an entry for this variant (Variation ID: 407101). Algorithms developed to predict the effect of missense changes on protein structure and function (SIFT, PolyPhen-2, Align-GVGD) all suggest that this variant is likely to be disruptive. In summary, the available evidence is currently insufficient to determine the role of this variant in disease. Therefore, it has been classified as a Variant of Uncertain Significance.